The following is an entry in ClinVar:

NM_001142633.3(PIK3R5):c.1306C>T (p.Leu436=)

Gene: PIK3R5 (phosphoinositide-3-kinase regulatory subunit 5; minus strand). Cytogenetic location: 17p13.1.
Variant type: single nucleotide variant.
Coding change: c.1306C>T on transcript NM_001142633.3 (MANE Select); coding-DNA position 1306, C replaced by T.
Protein change: p.Leu436=; no amino-acid change (leucine 436 retained).
Molecular consequence: synonymous variant.
Genome position (GRCh38, 1-based): chr17:8,888,481, G>A on the plus strand (C>T on the coding strand, the complement: PIK3R5 is on the minus strand). VCF-style: chr17-8888481-G-A. GRCh37 (hg19) VCF-style: chr17-8791798-G-A.
Other names: c.148C>T, p.Leu50= (NM_001251851.2, NM_001251852.2, NM_001251853.2 and 5 more transcripts); c.1306C>T, p.Leu436= (NM_001388396.1, NM_014308.4).
Identifiers: ClinVar variation 4084624 (VCV004084624.8).

ClinVar aggregate classification (germline): Likely benign (1 of 4 stars; one submission).

Submission:

CeGaT Center for Human Genetics Tuebingen
Classification: Likely benign. Last evaluated: 2025-10-01. Review status: criteria provided, single submitter. Criteria: CeGaT Center For Human Genetics Tuebingen Variant Classification Criteria Version 2. Collection method: clinical testing. Allele origin: germline. Affected: yes. Observed: 1 variant allele.
Comment: PIK3R5: BP4, BP7